The following is an entry in ClinVar:

NM_024740.2(ALG9):c.895+1G>A

Gene: ALG9 (ALG9 alpha-1,2-mannosyltransferase; minus strand). Cytogenetic location: 11q23.1.
Variant type: single nucleotide variant.
Coding change: c.895+1G>A on transcript NM_024740.2 (MANE Select); the canonical splice donor site of the intron after coding-DNA position 895, G replaced by A.
Molecular consequence: splice donor variant.
Genome position (GRCh38, 1-based): chr11:111,853,379, C>T on the plus strand (G>A on the coding strand, the complement: ALG9 is on the minus strand). VCF-style: chr11-111853379-C-T. GRCh37 (hg19) VCF-style: chr11-111724102-C-T.
Other names: c.382+1G>A (NM_001352409.1, NM_001352410.1, NM_001352413.1 and 11 more transcripts); c.895+1G>A (NM_001352418.1, NM_001441206.1, NM_001352417.1 and 4 more transcripts); c.307+1G>A (NM_001352422.2).
Identifiers: ClinVar variation 5007778 (VCV005007778.2).
Genomic context (GRCh38, chr11:111,853,379, plus strand): 5'-GCTGAAGTTCAGGCAAATTAAGCTATCTCCTAACACTTGCCCAAATTTCACAAAGCCTTA[C>T]CATAAAGATCAGGTCCATGAGGAGTAAAGACATTATACAAAACAATGTTGAGTGGTGCAA-3'

ClinVar aggregate classification (germline): Likely pathogenic (1 of 4 stars; one submission).

Conditions:
Gillessen-Kaesbach-Nishimura syndrome (GIKANIS). Identifiers: MedGen C1849762, MONDO:0009890, OMIM 263210.
ALG9 congenital disorder of glycosylation (CDG1L). Also called: ALG9-CDG; CDG Il; CONGENITAL DISORDER OF GLYCOSYLATION, TYPE Il. Identifiers: Orphanet 79328, MedGen C2931006, MONDO:0012117, OMIM 608776.

Submission:

Juno Genomics, Hangzhou Juno Genomics, Inc
Classification: Likely pathogenic for ALG9 congenital disorder of glycosylation; Gillessen-Kaesbach-Nishimura syndrome. Review status: criteria provided, single submitter. Criteria: ACMG Guidelines, 2015. Collection method: clinical testing. Allele origin: germline.
Comment: Null variant in a gene where loss of function (LOF) is a known mechanism of disease.;Absent from controls (or at extremely low frequency if recessive) in Genome Aggregation Database.